The following is an entry in ClinVar:

ClinVar aggregate classification (germline): Uncertain significance (1 of 4 stars; one submission).

Submission:

Labcorp Genetics (formerly Invitae), Labcorp
Classification: Uncertain significance. Last evaluated: 2021-05-04. Review status: criteria provided, single submitter. Criteria: Invitae Variant Classification Sherloc (09022015). Collection method: clinical testing. Allele origin: germline.
Comment: This variant results in the deletion of part of exon 1 (c.-80_28del) of the KL gene. It is expected to result in an absent or disrupted protein product. However, the current clinical and genetic evidence is not sufficient to establish whether loss-of-function variants in KL cause disease. The frequency data for this variant in the population databases is considered unreliable, as metrics indicate insufficient coverage at this position in the ExAC database. This variant has not been reported in the literature in individuals with KL-related conditions. Experimental studies and prediction algorithms are not available or were not evaluated, and the functional significance of this variant is currently unknown. In summary, the available evidence is currently insufficient to determine the role of this variant in disease. Therefore, it has been classified as a Variant of Uncertain Significance.

NC_000013.11:g.33016361_33016468del

Gene: KL (klotho; plus strand). Cytogenetic location: 13q13.1.
Variant type: Deletion.
Genome position: GRCh38: chr13:33,016,361-33,016,468. GRCh37 (hg19): chr13:33,590,499-33,590,606.
Identifiers: ClinVar variation 2066855 (VCV002066855.5), dbSNP rs2501693397, ClinGen allele CA2547981540.